The following is an entry in ClinVar:

ClinVar aggregate classification (germline): Uncertain significance (1 of 4 stars; one submission).

Submission:

GeneDx
Classification: Uncertain significance. Last evaluated: 2020-02-14. Review status: criteria provided, single submitter. Criteria: GeneDx Variant Classification Process June 2021. Collection method: clinical testing. Allele origin: germline. Affected: yes.
Comment: Not observed in large population cohorts (Lek et al., 2016); In silico analysis supports that this missense variant does not alter protein structure/function; Has not been previously published as pathogenic or benign to our knowledge

NM_018489.3(ASH1L):c.3973A>G (p.Asn1325Asp)

Gene: ASH1L (ASH1 like histone lysine methyltransferase; minus strand). Cytogenetic location: 1q22.
Variant type: single nucleotide variant.
Coding change: c.3973A>G on transcript NM_018489.3 (MANE Select); coding-DNA position 3973, A replaced by G.
Protein change: p.Asn1325Asp; replaces asparagine 1325 with aspartic acid.
Molecular consequence: missense variant.
Genome position (GRCh38, 1-based): chr1:155,478,897, T>C on the plus strand (A>G on the coding strand, the complement: ASH1L is on the minus strand). VCF-style: chr1-155478897-T-C. GRCh37 (hg19) VCF-style: chr1-155448688-T-C.
Other names: c.3973A>G, p.Asn1325Asp (NM_001366177.2); short protein forms N1325D.
Identifiers: ClinVar variation 1318505 (VCV001318505.2), dbSNP rs1665759035, ClinGen allele CA342706570.